The following is an entry in ClinVar:

NM_001330078.2(NRXN1):c.3595G>A (p.Ala1199Thr)

Gene: NRXN1 (neurexin 1; minus strand). Cytogenetic location: 2p16.3.
Variant type: single nucleotide variant.
Coding change: c.3595G>A on transcript NM_001330078.2 (MANE Select); coding-DNA position 3595, G replaced by A.
Protein change: p.Ala1199Thr; replaces alanine 1199 with threonine.
Molecular consequence: missense variant.
Genome position (GRCh38, 1-based): chr2:50,091,446, C>T on the plus strand (G>A on the coding strand, the complement: NRXN1 is on the minus strand). VCF-style: chr2-50091446-C-T. GRCh37 (hg19) VCF-style: chr2-50318584-C-T.
Other names: p.A1239T:GCC>ACC; c.3715G>A, p.Ala1239Thr (NM_001135659.3); c.3571G>A, p.Ala1191Thr (NM_001330077.2, NM_001330082.2); c.3529G>A, p.Ala1177Thr (NM_001330083.2, NM_001330084.2); c.3568G>A, p.Ala1190Thr (NM_001330085.2); c.3595G>A, p.Ala1199Thr (NM_001330086.2, NM_004801.6); c.3484G>A, p.Ala1162Thr (NM_001330087.2, NM_001330096.2); c.3514G>A, p.Ala1172Thr (NM_001330088.2); and 4 more; short protein forms A1239T, A1162T, A1172T, A1198T, A1199T, A1182T, A1190T, A1191T.
Identifiers: ClinVar variation 206263 (VCV000206263.15), dbSNP rs201336161, ClinGen allele CA316173.

ClinVar aggregate classification (germline): Likely benign. Review status: criteria provided, multiple submitters, no conflicts (2 of 4 stars). 2 submissions from 2 submitters: Likely benign (2). Last evaluated 2025-12-08.

Conditions:
Pitt-Hopkins-like syndrome 2 (PTHSL2). Identifiers: Orphanet 221150, Orphanet 600663, MedGen C3280479, MONDO:0013690, OMIM 614325.

Allele frequency attached by ClinVar (database versions not stated): gnomAD 0.00008 and 0.00013; gnomAD exomes 0.00015 and 0.00040; TOPMed 0.00027; ExAC 0.00034; 1000 Genomes Project 30x 0.00047; 1000 Genomes Project 0.00060.
gnomAD v4.1: 228 of 1,614,048 alleles (0.014%); highest among the groups gnomAD compares: East Asian, 0.47%; 1 homozygote.

Submissions (2):

Labcorp Genetics (formerly Invitae), Labcorp
Classification: Likely benign for Pitt-Hopkins-like syndrome 2. Last evaluated: 2025-12-08. Review status: criteria provided, single submitter. Criteria: Invitae Variant Classification Sherloc (09022015). Collection method: clinical testing. Allele origin: germline.

GeneDx
Classification: Likely benign. Last evaluated: 2019-12-13. Review status: criteria provided, single submitter. Criteria: GeneDx Variant Classification Process June 2021. Collection method: clinical testing. Allele origin: germline. Affected: yes.
Comment: This variant is associated with the following publications: (PMID: 24832020, 33343614)